The following is an entry in ClinVar:

ClinVar aggregate classification (germline): Uncertain significance (1 of 4 stars; one submission).

Submission:

GeneDx
Classification: Uncertain significance. Last evaluated: 2024-03-12. Review status: criteria provided, single submitter. Criteria: GeneDx Variant Classification Process June 2021. Collection method: clinical testing. Allele origin: germline. Affected: yes.
Comment: Not observed at significant frequency in large population cohorts (gnomAD); In silico analysis supports that this missense variant does not alter protein structure/function; Has not been previously published as pathogenic or benign to our knowledge; This variant is associated with the following publications: (PMID: 28545555)

NM_152703.5(SAMD9L):c.1430C>A (p.Thr477Lys)

Gene: SAMD9L (sterile alpha motif domain containing 9 like; minus strand). Cytogenetic location: 7q21.2.
Variant type: single nucleotide variant.
Coding change: c.1430C>A on transcript NM_152703.5 (MANE Select); coding-DNA position 1430, C replaced by A.
Protein change: p.Thr477Lys; replaces threonine 477 with lysine.
Molecular consequence: missense variant.
Genome position (GRCh38, 1-based): chr7:93,134,542, G>T on the plus strand (C>A on the coding strand, the complement: SAMD9L is on the minus strand). VCF-style: chr7-93134542-G-T. GRCh37 (hg19) VCF-style: chr7-92763855-G-T.
Other names: c.1430C>A, p.Thr477Lys (NM_001303496.3, NM_001303497.3, NM_001303498.3 and 5 more transcripts); short protein forms T477K.
Identifiers: ClinVar variation 3370795 (VCV003370795.1).